The following is an entry in ClinVar:

ClinVar aggregate classification (germline): Uncertain significance. Review status: criteria provided, single submitter (1 of 4 stars). 2 submissions from 2 submitters: Uncertain significance (1). 1 of the submissions does not count toward it. Last evaluated 2025-06-23.

Conditions:
Retinitis pigmentosa 25 (RP25). Identifiers: Orphanet 791, MedGen C1864446, MONDO:0011272, OMIM 602772.

Allele frequency attached by ClinVar (database versions not stated): gnomAD 0.00001.
gnomAD v4.1: 2 of 1,548,522 alleles (0.00013%); highest among the groups gnomAD compares: Admixed American, 0.002%; no homozygotes.

Submissions (2):

Labcorp Genetics (formerly Invitae), Labcorp
Classification: Uncertain significance. Last evaluated: 2025-06-23. Review status: criteria provided, single submitter. Criteria: Invitae Variant Classification Sherloc (09022015). Collection method: clinical testing. Allele origin: germline.
Comment: This sequence change replaces methionine, which is neutral and non-polar, with valine, which is neutral and non-polar, at codon 2284 of the EYS protein (p.Met2284Val). This variant is not present in population databases (gnomAD no frequency). This variant has not been reported in the literature in individuals affected with EYS-related conditions. ClinVar contains an entry for this variant (Variation ID: 967057). Invitae Evidence Modeling of protein sequence and biophysical properties (such as structural, functional, and spatial information, amino acid conservation, physicochemical variation, residue mobility, and thermodynamic stability) has been performed for this missense variant. However, the output from this modeling did not meet the statistical confidence thresholds required to predict the impact of this variant on EYS protein function. In summary, the available evidence is currently insufficient to determine the role of this variant in disease. Therefore, it has been classified as a Variant of Uncertain Significance.

Natera, Inc.
Classification: Uncertain significance for Retinitis pigmentosa type 25. Last evaluated: 2021-06-18. Review status: no assertion criteria provided. Collection method: clinical testing. Allele origin: germline. Not counted in ClinVar's aggregate classification.

NM_001142800.2(EYS):c.6850A>G (p.Met2284Val)

Gene: EYS (EGF-like photoreceptor maintenance factor; minus strand). Cytogenetic location: 6q12.
Variant type: single nucleotide variant.
Coding change: c.6850A>G on transcript NM_001142800.2 (MANE Select); coding-DNA position 6850, A replaced by G.
Protein change: p.Met2284Val; replaces methionine 2284 with valine.
Molecular consequence: missense variant.
Genome position (GRCh38, 1-based): chr6:63,984,588, T>C on the plus strand (A>G on the coding strand, the complement: EYS is on the minus strand). VCF-style: chr6-63984588-T-C. GRCh37 (hg19) VCF-style: chr6-64694481-T-C.
Other names: c.6850A>G, p.Met2284Val (NM_001292009.2); short protein forms M2284V.
Identifiers: ClinVar variation 967057 (VCV000967057.7), dbSNP rs1767268298, ClinGen allele CA364389053.
Genomic context (GRCh38, chr6:63,984,588, plus strand): 5'-CATAAACAGGACCTGCTTTCTTATGAATTTGAACATTTGCAGGAATATGGCCAAGGAACA[T>C]TGATTCAAAATATGCCTGTAGAAAAAGTAACAACAAAAAATATTATAGGTTGTTGTCAGA-3'
Protein context (NP_001136272.1, residues 2274-2294): SHASQAYFES[Met2284Val]FLGHIPANVQ